The following is an entry in ClinVar:

ClinVar aggregate classification (germline): Conflicting classifications of pathogenicity. Review status: criteria provided, conflicting classifications (1 of 4 stars). 4 submissions from 4 submitters: Uncertain significance (3); Likely benign (1). Last evaluated 2026-01-22.

Conditions:
Distal myopathy with anterior tibial onset. Identifiers: Orphanet 178400, MedGen C1847532, MONDO:0011721, OMIM 606768.
Miyoshi muscular dystrophy 1 (MMD1). Identifiers: Orphanet 45448, MedGen C4551973, MONDO:0024545, OMIM 254130.
Autosomal recessive limb-girdle muscular dystrophy type 2B (LGMDR2). Also called: Limb-girdle muscular dystrophy, type 2B; MUSCULAR DYSTROPHY, LIMB-GIRDLE, TYPE 3; MUSCULAR DYSTROPHY, LIMB-GIRDLE, AUTOSOMAL RECESSIVE 2; Limb-Girdle Muscular Dystrophy Type 2B (LGMD2B). Identifiers: Orphanet 268, MedGen C1850889, MONDO:0009676, OMIM 253601.
Neuromuscular disease caused by qualitative or quantitative defects of dysferlin. Also called: Dysferlinopathy; Qualitative or quantitative defects of dysferlin. Identifiers: Orphanet 207073, MedGen C2931687, MONDO:0016145.

Allele frequency attached by ClinVar (database versions not stated): ExAC 0.00004; gnomAD 0.00004; gnomAD exomes 0.00006 and 0.00007; TOPMed 0.00006.
gnomAD v4.1: 91 of 1,614,056 alleles (0.0056%); highest among the groups gnomAD compares: East Asian, 0.0045%; no homozygotes.

Submissions (4):

Labcorp Genetics (formerly Invitae), Labcorp
Classification: Likely benign for Neuromuscular disease caused by qualitative or quantitative defects of dysferlin. Last evaluated: 2026-01-22. Review status: criteria provided, single submitter. Criteria: Invitae Variant Classification Sherloc (09022015). Collection method: clinical testing. Allele origin: germline.

Revvity Omics, Revvity
Classification: Uncertain significance. Last evaluated: 2025-03-19. Review status: criteria provided, single submitter. Criteria: ACMG Guidelines, 2015. Collection method: clinical testing. Allele origin: germline.

Women's Health and Genetics/Laboratory Corporation of America, LabCorp
Classification: Uncertain significance. Last evaluated: 2023-04-17. Review status: criteria provided, single submitter. Criteria: LabCorp Variant Classification Summary - May 2015. Collection method: clinical testing. Allele origin: germline.
Comment: Variant summary: DYSF c.4741C>T (p.Arg1581Cys) results in a non-conservative amino acid change located in the C2 domain (IPR000008, IPR037724) of the encoded protein sequence. Five of five in-silico tools predict a damaging effect of the variant on protein function. The variant allele was found at a frequency of 7.2e-05 in 251466 control chromosomes. This frequency is not significantly higher than estimated for a pathogenic variant in DYSF causing Limb-Girdle Muscular Dystrophy (LGMD), Autosomal Recessive (7.2e-05 vs 0.0031), allowing no conclusion about variant significance. c.4741C>T has been reported in the literature in at least one compound heterozygous individual with LGMD (e.g., Cacciottolo) and two homozygous siblings affected with muscular dystrophy, however a second homozygous DYSF variant c.6209A>G (p.Y2070C), was also identified in these siblings (e.g., Lazar_2015). These reports therefore do not provide unequivocal conclusions about association of the variant with Limb-Girdle Muscular Dystrophy, Autosomal Recessive. To our knowledge, no experimental evidence demonstrating an impact on protein function has been reported. Three ClinVar submitters (evaluation after 2014) have cited the variant with conflicting assessments: two submitters classified the variant as VUS and one classified the variant as likely benign. Based on the evidence outlined above, the variant was classified as uncertain significance.

Fulgent Genetics
Classification: Uncertain significance for Autosomal recessive limb-girdle muscular dystrophy type 2B; Miyoshi muscular dystrophy 1; Distal myopathy with anterior tibial onset. Last evaluated: 2022-05-11. Review status: criteria provided, single submitter. Criteria: ACMG Guidelines, 2015. Collection method: clinical testing. Allele origin: unknown.

Literature cited by the submitters: PubMed 21522182 (cited by Women's Health and Genetics/Laboratory Corporation of America, LabCorp); PubMed 26077327 (cited by Women's Health and Genetics/Laboratory Corporation of America, LabCorp).

NM_001130987.2(DYSF):c.4858C>T (p.Arg1620Cys)

Gene: DYSF (dysferlin; plus strand). Cytogenetic location: 2p13.2.
Variant type: single nucleotide variant.
Coding change: c.4858C>T on transcript NM_001130987.2 (MANE Select); coding-DNA position 4858, C replaced by T.
Protein change: p.Arg1620Cys; replaces arginine 1620 with cysteine.
Molecular consequence: missense variant.
Genome position (GRCh38, 1-based): chr2:71,658,980, C>T. VCF-style: chr2-71658980-C-T. GRCh37 (hg19) VCF-style: chr2-71886110-C-T.
Other names: c.4744C>T, p.Arg1582Cys (NM_001130455.2); c.4699C>T, p.Arg1567Cys (NM_001130976.2); c.4762C>T, p.Arg1588Cys (NM_001130977.2); c.4804C>T, p.Arg1602Cys (NM_001130978.2); c.4834C>T, p.Arg1612Cys (NM_001130979.2); c.4792C>T, p.Arg1598Cys (NM_001130980.2); c.4855C>T, p.Arg1619Cys (NM_001130981.2); c.4837C>T, p.Arg1613Cys (NM_001130982.2); and 5 more; short protein forms R1581C, R1620C, R1568C, R1602C, R1603C, R1619C, R1582C, R1598C.
Identifiers: ClinVar variation 631867 (VCV000631867.11), dbSNP rs752946123, ClinGen allele CA1707158.